The following is an entry in ClinVar:

NM_004380.3(CREBBP):c.680C>G (p.Pro227Arg)

Gene: CREBBP (CREB binding lysine acetyltransferase; minus strand). Cytogenetic location: 16p13.3.
Variant type: single nucleotide variant.
Coding change: c.680C>G on transcript NM_004380.3 (MANE Select); coding-DNA position 680, C replaced by G.
Protein change: p.Pro227Arg; replaces proline 227 with arginine.
Molecular consequence: missense variant.
Genome position (GRCh38, 1-based): chr16:3,850,415, G>C on the plus strand (C>G on the coding strand, the complement: CREBBP is on the minus strand). VCF-style: chr16-3850415-G-C. GRCh37 (hg19) VCF-style: chr16-3900416-G-C.
Other names: c.680C>G, p.Pro227Arg (NM_001079846.1); short protein forms P227R.
Identifiers: ClinVar variation 4986432 (VCV004986432.1).

ClinVar aggregate classification (germline): Uncertain significance (1 of 4 stars; one submission).

Conditions:
CREBBP-related disorder. Also called: CREBBP-related disorders; CREBBP-related condition.

Submission:

PreventionGenetics, part of Exact Sciences
Classification: Uncertain significance for CREBBP-related condition. Last evaluated: 2025-08-06. Review status: criteria provided, single submitter. Criteria: ACMG Guidelines, 2015. Collection method: clinical testing. Allele origin: germline.
Comment: The CREBBP c.680C>G variant is predicted to result in the amino acid substitution p.Pro227Arg. To our knowledge, this variant has not been reported in the literature. This variant is reported in 0.011% of alleles in individuals of African descent in gnomAD. Although we suspect that this variant may be benign, at this time, the clinical significance of this variant is uncertain due to the absence of conclusive functional and genetic evidence.